The following is an entry in ClinVar:

ClinVar aggregate classification (germline): Benign/Likely benign. Review status: criteria provided, multiple submitters, no conflicts (2 of 4 stars). 3 submissions from 3 submitters: Benign (1); Likely benign (1). 1 of the submissions does not count toward it. Last evaluated 2025-10-03.

Conditions:
LAMA5-related disorder. Also called: LAMA5-Related Disorders; LAMA5-related condition.

Allele frequency attached by ClinVar (database versions not stated): gnomAD exomes 0.00008; ExAC 0.00011; ESP Exome Variant Server 0.00015; 1000 Genomes Project 30x 0.00016; 1000 Genomes Project 0.00020; gnomAD 0.00031; TOPMed 0.00034.
gnomAD v4.1: 171 of 1,580,042 alleles (0.011%); highest among the groups gnomAD compares: African/African-American, 0.085%; 1 homozygote.

Submissions (3):

Labcorp Genetics (formerly Invitae), Labcorp
Classification: Benign. Last evaluated: 2025-10-03. Review status: criteria provided, single submitter. Criteria: Invitae Variant Classification Sherloc (09022015). Collection method: clinical testing. Allele origin: germline.

Blueprint Genetics
Classification: Likely benign. Last evaluated: 2024-11-07. Review status: criteria provided, single submitter. Criteria: ACMG Guidelines, 2015. Collection method: clinical testing. Allele origin: germline.

PreventionGenetics, part of Exact Sciences
Classification: Likely benign for LAMA5-related condition. Last evaluated: 2022-12-19. Review status: no assertion criteria provided. Collection method: clinical testing. Allele origin: germline. Not counted in ClinVar's aggregate classification.
Comment: This variant is classified as likely benign based on ACMG/AMP sequence variant interpretation guidelines (Richards et al. 2015 PMID: 25741868, with internal and published modifications).

NM_005560.6(LAMA5):c.8976C>T (p.Ala2992=)

Gene: LAMA5 (laminin subunit alpha 5; minus strand). Cytogenetic location: 20q13.33.
Variant type: single nucleotide variant.
Coding change: c.8976C>T on transcript NM_005560.6 (MANE Select); coding-DNA position 8976, C replaced by T.
Protein change: p.Ala2992=; no amino-acid change (alanine 2992 retained).
Molecular consequence: synonymous variant.
Genome position (GRCh38, 1-based): chr20:62,312,990, G>A on the plus strand (C>T on the coding strand, the complement: LAMA5 is on the minus strand). VCF-style: chr20-62312990-G-A. GRCh37 (hg19) VCF-style: chr20-60888046-G-A.
Other names: c.8976C>T (NM_005560.4).
Identifiers: ClinVar variation 2065994 (VCV002065994.7), dbSNP rs183227892, ClinGen allele CA9940472.